The following is an entry in ClinVar:

NM_004990.4(MARS1):c.115G>C (p.Val39Leu)

Gene: MARS1 (methionyl-tRNA synthetase 1; plus strand). Cytogenetic location: 12q13.3.
Variant type: single nucleotide variant.
Coding change: c.115G>C on transcript NM_004990.4 (MANE Select); coding-DNA position 115, G replaced by C.
Protein change: p.Val39Leu; replaces valine 39 with leucine.
Molecular consequence: missense variant.
Genome position (GRCh38, 1-based): chr12:57,489,024, G>C. VCF-style: chr12-57489024-G-C. GRCh37 (hg19) VCF-style: chr12-57882807-G-C.
Other names: short protein forms V39L.
Identifiers: ClinVar variation 2942885 (VCV002942885.3), dbSNP rs564742568, ClinGen allele CA6650050.

ClinVar aggregate classification (germline): Uncertain significance (1 of 4 stars; one submission).

Conditions:
Severe early-onset pulmonary alveolar proteinosis due to MARS deficiency. Also called: PULMONARY ALVEOLAR PROTEINOSIS, REUNION ISLAND; Interstitial lung and liver disease. Identifiers: Orphanet 440427, MedGen C4225400, MONDO:0014206, OMIM 615486.
Charcot-Marie-Tooth disease axonal type 2U. Also called: CHARCOT-MARIE-TOOTH NEUROPATHY, TYPE 2U; CHARCOT-MARIE-TOOTH DISEASE, AXONAL, AUTOSOMAL DOMINANT, TYPE 2U. Identifiers: Orphanet 397735, MedGen C4084821, MONDO:0014566, OMIM 616280.

Allele frequency attached by ClinVar (database versions not stated): gnomAD exomes below 0.00001; ExAC 0.00001; gnomAD 0.00001; 1000 Genomes Project 30x 0.00016; 1000 Genomes Project 0.00020.
gnomAD v4.1: 2 of 1,609,054 alleles (0.00012%); highest among the groups gnomAD compares: African/African-American, 0.0013%; no homozygotes.

Submission:

Labcorp Genetics (formerly Invitae), Labcorp
Classification: Uncertain significance for Charcot-Marie-Tooth disease axonal type 2U; Severe early-onset pulmonary alveolar proteinosis due to MARS deficiency. Last evaluated: 2023-01-05. Review status: criteria provided, single submitter. Criteria: Invitae Variant Classification Sherloc (09022015). Collection method: clinical testing. Allele origin: germline.
Comment: In summary, the available evidence is currently insufficient to determine the role of this variant in disease. Therefore, it has been classified as a Variant of Uncertain Significance. Algorithms developed to predict the effect of missense changes on protein structure and function (SIFT, PolyPhen-2, Align-GVGD) all suggest that this variant is likely to be tolerated. This variant has not been reported in the literature in individuals affected with MARS-related conditions. This variant is present in population databases (rs564742568, gnomAD 0.007%). This sequence change replaces valine, which is neutral and non-polar, with leucine, which is neutral and non-polar, at codon 39 of the MARS protein (p.Val39Leu).